The following is an entry in ClinVar:

ClinVar aggregate classification (germline): Uncertain significance (1 of 4 stars; one submission).

Submission:

Women's Health and Genetics/Laboratory Corporation of America, LabCorp
Classification: Uncertain significance. Last evaluated: 2023-10-13. Review status: criteria provided, single submitter. Criteria: LabCorp Variant Classification Summary - May 2015. Collection method: clinical testing. Allele origin: germline.
Comment: Variant summary: KIAA0196 c.2780A>G (p.Asn927Ser) results in a conservative amino acid change in the encoded protein sequence. Four of five in-silico tools predict a benign effect of the variant on protein function. The variant was absent in 251134 control chromosomes. The available data on variant occurrences in the general population are insufficient to allow any conclusion about variant significance. To our knowledge, no occurrence of c.2780A>G in individuals affected with Ritscher-Schinzel Syndrome 1 and no experimental evidence demonstrating its impact on protein function have been reported. No submitters have cited clinical-significance assessments for this variant to ClinVar after 2014. Based on the evidence outlined above, the variant was classified as uncertain significance.

NM_014846.4(WASHC5):c.2780A>G (p.Asn927Ser)

Genes: WASHC5 (WASH complex subunit 5; minus strand), WASHC5-AS1 (WASHC5 antisense RNA 1; plus strand). Cytogenetic location: 8q24.13.
Variant type: single nucleotide variant.
Coding change: c.2780A>G on transcript NM_014846.4 (MANE Select); coding-DNA position 2780, A replaced by G.
Protein change: p.Asn927Ser; replaces asparagine 927 with serine.
Molecular consequence: missense variant.
Genome position (GRCh38, 1-based): chr8:125,043,895, T>C on the plus strand (A>G on the coding strand, the complement: WASHC5 is on the minus strand). VCF-style: chr8-125043895-T-C. GRCh37 (hg19) VCF-style: chr8-126056137-T-C.
Other names: c.2336A>G, p.Asn779Ser (NM_001330609.2); short protein forms N779S, N927S.
Identifiers: ClinVar variation 2637728 (VCV002637728.1), dbSNP rs2537303341, ClinGen allele CA372187400.